The following is an entry in ClinVar:

NM_014263.4(YME1L1):c.1711C>G (p.Leu571Val)

Gene: YME1L1 (YME1 like 1 ATPase; minus strand). Cytogenetic location: 10p12.1.
Variant type: single nucleotide variant.
Coding change: c.1711C>G on transcript NM_014263.4 (MANE Select); coding-DNA position 1711, C replaced by G.
Protein change: p.Leu571Val; replaces leucine 571 with valine.
Molecular consequence: missense variant.
Genome position (GRCh38, 1-based): chr10:27,117,584, G>C on the plus strand (C>G on the coding strand, the complement: YME1L1 is on the minus strand). VCF-style: chr10-27117584-G-C. GRCh37 (hg19) VCF-style: chr10-27406513-G-C.
Other names: c.1612C>G, p.Leu538Val (NM_001253866.2); c.1882C>G, p.Leu628Val (NM_139312.3); short protein forms L571V, L628V, L538V.
Identifiers: ClinVar variation 2049786 (VCV002049786.4), dbSNP rs753238146, ClinGen allele CA5449265.
Genomic context (GRCh38, chr10:27,117,584, plus strand): 5'-CGCCATTGCACTCCAGCCTGGGTGACAGGGCGAGACACTACAAAAAACTTACATGTCCAA[G>C]TGTTGGCCCCCGTGGCATGATTGTAGCTTTGTTGATAGGCATTGCATCTTTTGTGTAATA-3'
Protein context (NP_055078.1, residues 561-581): KATIMPRGPT[Leu571Val]GHVSLLPEND

ClinVar aggregate classification (germline): Uncertain significance (1 of 4 stars; one submission).

Allele frequency attached by ClinVar (database versions not stated): gnomAD 0.00002; gnomAD exomes 0.00004; TOPMed 0.00006; ExAC 0.00011.
gnomAD v4.1: 24 of 1,613,538 alleles (0.0015%); highest among the groups gnomAD compares: Admixed American, 0.04%; no homozygotes.

Submission:

Labcorp Genetics (formerly Invitae), Labcorp
Classification: Uncertain significance. Last evaluated: 2025-11-19. Review status: criteria provided, single submitter. Criteria: Invitae Variant Classification Sherloc (09022015). Collection method: clinical testing. Allele origin: germline.
Comment: This sequence change replaces leucine, which is neutral and non-polar, with valine, which is neutral and non-polar, at codon 628 of the YME1L1 protein (p.Leu628Val). This variant is present in population databases (rs753238146, gnomAD 0.07%), and has an allele count higher than expected for a pathogenic variant. This variant has not been reported in the literature in individuals affected with YME1L1-related conditions. ClinVar contains an entry for this variant (Variation ID: 2049786). An algorithm developed to predict the effect of missense changes on protein structure and function (PolyPhen-2) suggests that this variant is likely to be disruptive. In summary, the available evidence is currently insufficient to determine the role of this variant in disease. Therefore, it has been classified as a Variant of Uncertain Significance.